The following is an entry in ClinVar:

NM_000271.5(NPC1):c.658dup (p.Met220fs)

Gene: NPC1 (NPC intracellular cholesterol transporter 1; minus strand). Cytogenetic location: 18q11.2.
Variant type: Duplication.
Coding change: c.658dup on transcript NM_000271.5 (MANE Select); coding-DNA position 658, one base duplicated (A; older notation c.658dupA).
Protein change: p.Met220fs; shifts the reading frame from methionine 220.
Molecular consequence: frameshift variant.
Genome position (GRCh38, 1-based): chr18:23,560,454, T duplicated on the plus strand (A on the coding strand, the reverse complement: NPC1 is on the minus strand). VCF-style (leftmost placement, unchanged base first): chr18-23560453-A-AT. GRCh37 (hg19) VCF-style: chr18-21140417-A-AT.
Other names: short protein forms M220fs.
Identifiers: ClinVar variation 5013231 (VCV005013231.1).
Genomic context (GRCh38, chr18:23,560,453, plus strand): 5'-CAGCTACATGGTGCTGTGACCTCATCCACAGACTCGTCACAGCCTTTGGTGGCATTGTTC[A>AT]TGGGCTCCATCCCATGGACTGGAAAATCTACAGAAAGGAATTGTGTTGAGTACAAATCTC-3'

ClinVar aggregate classification (germline): Pathogenic (1 of 4 stars; one submission).

Conditions:
Niemann-Pick disease, type C1. Also called: NEUROVISCERAL STORAGE DISEASE WITH VERTICAL SUPRANUCLEAR OPHTHALMOPLEGIA; NIEMANN-PICK DISEASE WITH CHOLESTEROL ESTERIFICATION BLOCK; NIEMANN-PICK DISEASE WITHOUT SPHINGOMYELINASE DEFICIENCY; NIEMANN-PICK DISEASE, CHRONIC NEURONOPATHIC FORM; NIEMANN-PICK DISEASE, VARIANT TYPE C1. Identifiers: Orphanet 646, MedGen C3179455, MONDO:0009757, OMIM 257220.

Submission:

Myriad Genetics, Inc.
Classification: Pathogenic for Niemann-Pick disease, type C1. Last evaluated: 2024-06-23. Review status: criteria provided, single submitter. Criteria: Myriad Autosomal Dominant, Autosomal Recessive and X-Linked Classification Criteria (2023). Collection method: clinical testing. Allele origin: unknown.
Comment: NM_000271.4(NPC1):c.658dupA(M220Nfs*9) is expected to be pathogenic in the context of Niemann-Pick disease type C1. This variant is predicted to lead to an abnormal or absent protein product due to the creation of a premature termination codon in NPC1, a gene where loss-of-function variants are known to be pathogenic. Please note: this variant was assessed in the context of healthy population screening.